The following is an entry in ClinVar:

NM_015340.4(LARS2):c.1672A>G (p.Ile558Val)

Genes: LARS2 (leucyl-tRNA synthetase 2, mitochondrial; plus strand), LARS2-AS1 (LARS2 antisense RNA 1; minus strand). Cytogenetic location: 3p21.31.
Variant type: single nucleotide variant.
Coding change: c.1672A>G on transcript NM_015340.4 (MANE Select); coding-DNA position 1672, A replaced by G.
Protein change: p.Ile558Val; replaces isoleucine 558 with valine.
Molecular consequence: missense variant.
Genome position (GRCh38, 1-based): chr3:45,500,491, A>G. VCF-style: chr3-45500491-A-G. GRCh37 (hg19) VCF-style: chr3-45541983-A-G.
Other names: c.1672A>G, p.Ile558Val (NM_001368263.1); short protein forms I558V.
Identifiers: ClinVar variation 1716722 (VCV001716722.5), dbSNP rs1175308459, ClinGen allele CA352426996.

ClinVar aggregate classification (germline): Uncertain significance (1 of 4 stars; one submission).

Allele frequency attached by ClinVar (database versions not stated): gnomAD 0.00001.
gnomAD v4.1: 1 of 1,603,798 alleles (0.000062%); highest among the groups gnomAD compares: Non-Finnish European, 0.000085%; no homozygotes.

Submission:

Labcorp Genetics (formerly Invitae), Labcorp
Classification: Uncertain significance. Last evaluated: 2022-08-19. Review status: criteria provided, single submitter. Criteria: Invitae Variant Classification Sherloc (09022015). Collection method: clinical testing. Allele origin: germline.
Comment: In summary, the available evidence is currently insufficient to determine the role of this variant in disease. Therefore, it has been classified as a Variant of Uncertain Significance. Algorithms developed to predict the effect of missense changes on protein structure and function output the following: SIFT: "Tolerated"; PolyPhen-2: "Benign"; Align-GVGD: "Class C0". The valine amino acid residue is found in multiple mammalian species, which suggests that this missense change does not adversely affect protein function. This variant has not been reported in the literature in individuals affected with LARS2-related conditions. This variant is not present in population databases (gnomAD no frequency). This sequence change replaces isoleucine, which is neutral and non-polar, with valine, which is neutral and non-polar, at codon 558 of the LARS2 protein (p.Ile558Val).